The following is an entry in ClinVar:

ClinVar aggregate classification (germline): Likely benign. Review status: criteria provided, multiple submitters, no conflicts (2 of 4 stars). 2 submissions from 2 submitters: Likely benign (2). Last evaluated 2025-05-27.

Conditions:
Early-infantile DEE. Also called: Ohtahara syndrome; Early infantile epileptic encephalopathy; Early infantile epileptic encephalopathy with suppression bursts. Identifiers: Orphanet 1934, MedGen C0393706, MONDO:0800491.

Allele frequency attached by ClinVar (database versions not stated): gnomAD exomes below 0.00001 and 0.00002; gnomAD 0.00001; TOPMed 0.00001.
gnomAD v4.1: 34 of 1,588,566 alleles (0.0021%); highest among the groups gnomAD compares: Non-Finnish European, 0.0029%; no homozygotes.

Submissions (2):

Labcorp Genetics (formerly Invitae), Labcorp
Classification: Likely benign for Early-infantile DEE. Last evaluated: 2025-05-27. Review status: criteria provided, single submitter. Criteria: Invitae Variant Classification Sherloc (09022015). Collection method: clinical testing. Allele origin: germline.

GeneDx
Classification: Likely benign. Last evaluated: 2016-09-02. Review status: criteria provided, single submitter. Criteria: GeneDx Variant Classification (06012015). Collection method: clinical testing. Allele origin: germline. Affected: yes.
Comment: This variant is considered likely benign or benign based on one or more of the following criteria: it is a conservative change, it occurs at a poorly conserved position in the protein, it is predicted to be benign by multiple in silico algorithms, and/or has population frequency not consistent with disease.

NM_001165963.4(SCN1A):c.603-20G>A

Gene: SCN1A (sodium voltage-gated channel alpha subunit 1; minus strand). Cytogenetic location: 2q24.3.
Variant type: single nucleotide variant.
Coding change: c.603-20G>A on transcript NM_001165963.4 (MANE Select); 20 bases into the intron before coding-DNA position 603, G replaced by A.
Molecular consequence: intron variant.
Genome position (GRCh38, 1-based): chr2:166,052,963, C>T on the plus strand (G>A on the coding strand, the complement: SCN1A is on the minus strand). VCF-style: chr2-166052963-C-T. GRCh37 (hg19) VCF-style: chr2-166909473-C-T.
Other names: c.603-20G>A (NM_001353949.2, NM_001353958.2, NM_001353950.2 and 10 more transcripts); c.-1823-20G>A (NM_001353961.2).
Identifiers: ClinVar variation 388938 (VCV000388938.2), dbSNP rs554276653, ClinGen allele CA16603849.